The following is an entry in ClinVar:

ClinVar aggregate classification (germline): Uncertain significance (1 of 4 stars; one submission).

Allele frequency attached by ClinVar (database versions not stated): TOPMed below 0.00001.

Submission:

CeGaT Center for Human Genetics Tuebingen
Classification: Uncertain significance. Last evaluated: 2023-04-01. Review status: criteria provided, single submitter. Criteria: CeGaT Center For Human Genetics Tuebingen Variant Classification Criteria Version 2. Collection method: clinical testing. Allele origin: germline. Affected: yes. Observed: 1 variant allele.
Comment: C1QTNF5: PM2, PP3

NM_001278431.2(C1QTNF5):c.116G>A (p.Gly39Asp)

Genes: C1QTNF5 (C1q and TNF related 5; minus strand), MFRP (membrane frizzled-related protein; minus strand). Cytogenetic location: 11q23.3.
Variant type: single nucleotide variant.
Coding change: c.116G>A on transcript NM_001278431.2 (MANE Select); coding-DNA position 116, G replaced by A.
Protein change: p.Gly39Asp; replaces glycine 39 with aspartic acid.
Molecular consequence: missense variant. On other transcripts: 3 prime UTR variant (1).
Genome position (GRCh38, 1-based): chr11:119,340,282, C>T on the plus strand (G>A on the coding strand, the complement: C1QTNF5 is on the minus strand). VCF-style: chr11-119340282-C-T. GRCh37 (hg19) VCF-style: chr11-119210992-C-T.
Other names: c.116G>A, p.Gly39Asp (NM_015645.5); c.*1012G>A (NM_031433.4); short protein forms G39D.
Identifiers: ClinVar variation 2642463 (VCV002642463.24), dbSNP rs995938925, ClinGen allele CA229674875.